The following is an entry in ClinVar:

NM_002439.5(MSH3):c.1270G>C (p.Val424Leu)

Gene: MSH3 (mutS homolog 3; plus strand). Cytogenetic location: 5q14.1.
Variant type: single nucleotide variant.
Coding change: c.1270G>C on transcript NM_002439.5 (MANE Select); coding-DNA position 1270, G replaced by C.
Protein change: p.Val424Leu; replaces valine 424 with leucine.
Molecular consequence: missense variant.
Genome position (GRCh38, 1-based): chr5:80,679,023, G>C. VCF-style: chr5-80679023-G-C. GRCh37 (hg19) VCF-style: chr5-79974842-G-C.
Other names: short protein forms V424L.
Identifiers: ClinVar variation 1057089 (VCV001057089.11), dbSNP rs1418423507, ClinGen allele CA360269015.

ClinVar aggregate classification (germline): Uncertain significance. Review status: criteria provided, multiple submitters, no conflicts (2 of 4 stars). 2 submissions from 2 submitters: Uncertain significance (2). Last evaluated 2021-02-24.

Conditions:
Hereditary cancer-predisposing syndrome. Also called: Hereditary Cancer Syndrome; Tumor predisposition; Hereditary neoplastic syndrome; Neoplastic Syndromes, Hereditary. Identifiers: Orphanet 140162, MedGen C0027672, MeSH D009386, MONDO:0015356.

gnomAD v4.1: 1 of 1,614,132 alleles (0.000062%); highest among the groups gnomAD compares: Non-Finnish European, 0.000085%; no homozygotes.

Submissions (2):

Ambry Genetics
Classification: Uncertain significance for Hereditary cancer-predisposing syndrome. Last evaluated: 2021-02-24. Review status: criteria provided, single submitter. Criteria: Ambry Variant Classification Scheme 2023. Collection method: clinical testing. Allele origin: germline.
Comment: The p.V424L variant (also known as c.1270G>C), located in coding exon 8 of the MSH3 gene, results from a G to C substitution at nucleotide position 1270. The valine at codon 424 is replaced by leucine, an amino acid with highly similar properties. This amino acid position is highly conserved in available vertebrate species. In addition, the in silico prediction for this alteration is inconclusive. Since supporting evidence is limited at this time, the clinical significance of this alteration remains unclear.

Labcorp Genetics (formerly Invitae), Labcorp
Classification: Uncertain significance. Last evaluated: 2020-07-22. Review status: criteria provided, single submitter. Criteria: Invitae Variant Classification Sherloc (09022015). Collection method: clinical testing. Allele origin: germline.
Comment: Algorithms developed to predict the effect of missense changes on protein structure and function are either unavailable or do not agree on the potential impact of this missense change (SIFT: "Deleterious"; PolyPhen-2: "Possibly Damaging"; Align-GVGD: "Class C0"). This sequence change replaces valine with leucine at codon 424 of the MSH3 protein (p.Val424Leu). The valine residue is highly conserved and there is a small physicochemical difference between valine and leucine. This variant is not present in population databases (ExAC no frequency). This variant has not been reported in the literature in individuals with MSH3-related conditions. In summary, the available evidence is currently insufficient to determine the role of this variant in disease. Therefore, it has been classified as a Variant of Uncertain Significance.